The following is an entry in ClinVar:

ClinVar aggregate classification (germline): Uncertain significance (1 of 4 stars; one submission).

Allele frequency attached by ClinVar (database versions not stated): gnomAD exomes below 0.00001 and 0.00001; ExAC 0.00001; gnomAD 0.00001.
gnomAD v4.1: 10 of 1,613,782 alleles (0.00062%); highest among the groups gnomAD compares: Non-Finnish European, 0.00085%; no homozygotes.

Submission:

GeneDx
Classification: Uncertain significance. Last evaluated: 2019-05-03. Review status: criteria provided, single submitter. Criteria: GeneDx Variant Classification Process June 2021. Collection method: clinical testing. Allele origin: germline. Affected: yes.
Comment: Not observed at a significant frequency in large population cohorts (Lek et al., 2016); In silico analysis, which includes protein predictors and evolutionary conservation, supports a deleterious effect; Has not been previously published as pathogenic or benign to our knowledge

NM_006904.7(PRKDC):c.3157C>T (p.Pro1053Ser)

Gene: PRKDC (protein kinase, DNA-activated, catalytic subunit; minus strand). Cytogenetic location: 8q11.21.
Variant type: single nucleotide variant.
Coding change: c.3157C>T on transcript NM_006904.7 (MANE Select); coding-DNA position 3157, C replaced by T.
Protein change: p.Pro1053Ser; replaces proline 1053 with serine.
Molecular consequence: missense variant.
Genome position (GRCh38, 1-based): chr8:47,902,681, G>A on the plus strand (C>T on the coding strand, the complement: PRKDC is on the minus strand). VCF-style: chr8-47902681-G-A. GRCh37 (hg19) VCF-style: chr8-48815241-G-A.
Other names: c.3157C>T, p.Pro1053Ser (NM_001081640.2); short protein forms P1053S.
Identifiers: ClinVar variation 1305335 (VCV001305335.2), dbSNP rs771002751, ClinGen allele CA4741260.